The following is an entry in ClinVar:

NM_006206.6(PDGFRA):c.809A>C (p.Lys270Thr)

Gene: PDGFRA (platelet derived growth factor receptor alpha; plus strand). Cytogenetic location: 4q12.
Variant type: single nucleotide variant.
Coding change: c.809A>C on transcript NM_006206.6 (MANE Select); coding-DNA position 809, A replaced by C.
Protein change: p.Lys270Thr; replaces lysine 270 with threonine.
Molecular consequence: missense variant.
Genome position (GRCh38, 1-based): chr4:54,267,338, A>C. VCF-style: chr4-54267338-A-C. GRCh37 (hg19) VCF-style: chr4-55133505-A-C.
Other names: c.809A>C, p.Lys270Thr (NM_001347827.2, NM_001347829.2); c.884A>C, p.Lys295Thr (NM_001347828.2); c.848A>C, p.Lys283Thr (NM_001347830.2); c.809A>C (NM_006206.5); short protein forms K270T, K295T, K283T.
Identifiers: ClinVar variation 571306 (VCV000571306.15), dbSNP rs545359247, ClinGen allele CA2922397.

ClinVar aggregate classification (germline): Conflicting classifications of pathogenicity. Review status: criteria provided, conflicting classifications (1 of 4 stars). 4 submissions from 4 submitters: Uncertain significance (3); Benign (1). Last evaluated 2026-09-09.

Conditions:
Hereditary cancer-predisposing syndrome. Also called: Neoplastic Syndromes, Hereditary; Tumor predisposition; Hereditary Cancer Syndrome; Hereditary neoplastic syndrome. Identifiers: Orphanet 140162, MedGen C0027672, MeSH D009386, MONDO:0015356.
PDGFRA-related disorder. Also called: PDGFRA-related condition.
Gastrointestinal stromal tumor. Also called: Gastrointestinal stroma tumor; Gastrointestinal stromal tumor, somatic. Identifiers: Orphanet 44890, MedGen C0238198, MeSH D046152, MONDO:0011719, OMIM 606764, HP:0100723.

Allele frequency attached by ClinVar (database versions not stated): ExAC 0.00002; gnomAD exomes 0.00002; 1000 Genomes Project 30x 0.00016; 1000 Genomes Project 0.00020.
gnomAD v4.1: 25 of 1,614,152 alleles (0.0015%); highest among the groups gnomAD compares: South Asian, 0.027%; no homozygotes.

Submissions (4):

PreventionGenetics, part of Exact Sciences
Classification: Uncertain significance for PDGFRA-related condition. Last evaluated: 2026-09-09. Review status: criteria provided, single submitter. Criteria: ACMG Guidelines, 2015. Collection method: clinical testing. Allele origin: germline.
Comment: The PDGFRA c.809A>C variant is predicted to result in the amino acid substitution p.Lys270Thr. To our knowledge, this variant has not been reported in the literature. This variant is reported in 0.016% of alleles in individuals of South Asian descent in gnomAD and has conflicting interpretations in ClinVar, ranging from uncertain to benign (Variation ID: 571306). Although we suspect that this variant may be benign, at this time, the clinical significance of this variant is uncertain due to the absence of conclusive functional and genetic evidence.

Labcorp Genetics (formerly Invitae), Labcorp
Classification: Uncertain significance for Gastrointestinal stromal tumor. Last evaluated: 2026-01-06. Review status: criteria provided, single submitter. Criteria: Invitae Variant Classification Sherloc (09022015). Collection method: clinical testing. Allele origin: germline.
Comment: This sequence change replaces lysine, which is basic and polar, with threonine, which is neutral and polar, at codon 270 of the PDGFRA protein (p.Lys270Thr). This variant is present in population databases (rs545359247, gnomAD 0.02%). This variant has not been reported in the literature in individuals affected with PDGFRA-related conditions. ClinVar contains an entry for this variant (Variation ID: 571306). Invitae Evidence Modeling of protein sequence and biophysical properties (such as structural, functional, and spatial information, amino acid conservation, physicochemical variation, residue mobility, and thermodynamic stability) indicates that this missense variant is not expected to disrupt PDGFRA protein function with a negative predictive value of 80%. In summary, the available evidence is currently insufficient to determine the role of this variant in disease. Therefore, it has been classified as a Variant of Uncertain Significance.

Ambry Genetics
Classification: Benign for Hereditary cancer-predisposing syndrome. Last evaluated: 2024-10-28. Review status: criteria provided, single submitter. Criteria: Ambry Variant Classification Scheme 2023. Collection method: clinical testing. Allele origin: germline.

GeneDx
Classification: Uncertain significance. Last evaluated: 2023-07-25. Review status: criteria provided, single submitter. Criteria: GeneDx Variant Classification Process June 2021. Collection method: clinical testing. Allele origin: germline. Affected: yes.
Comment: Not observed at significant frequency in large population cohorts (gnomAD); In silico analysis supports that this missense variant does not alter protein structure/function; Has not been previously published as pathogenic or benign to our knowledge